The following is an entry in ClinVar:

ClinVar aggregate classification (germline): Likely benign (1 of 4 stars; one submission).

Conditions:
Progressive sclerosing poliodystrophy (MTDPS4A). Also called: Alpers-Huttenlocher Syndrome (AHS); Alpers Syndrome; ALPERS PROGRESSIVE INFANTILE POLIODYSTROPHY; Mitochondrial DNA depletion syndrome 4A (Alpers type); ALPERS DIFFUSE DEGENERATION OF CEREBRAL GRAY MATTER WITH HEPATIC CIRRHOSIS; Alpers-Huttenlocher Syndrome. Identifiers: Orphanet 726, MedGen C0205710, MONDO:0008758, OMIM 203700.

Allele frequency attached by ClinVar (database versions not stated): gnomAD exomes 0.00014; ExAC 0.00017; ESP Exome Variant Server 0.00038; 1000 Genomes Project 30x 0.00047; gnomAD 0.00053 and 0.00055; 1000 Genomes Project 0.00060; TOPMed 0.00063.
gnomAD v4.1: 167 of 1,607,880 alleles (0.01%); highest among the groups gnomAD compares: African/African-American, 0.19%; 2 homozygotes.

Submission:

Wong Mito Lab, Molecular and Human Genetics, Baylor College of Medicine
Classification: Likely benign for Progressive sclerosing poliodystrophy. Last evaluated: 2018-10-01. Review status: criteria provided, single submitter. Criteria: ACMG Guidelines, 2015. Collection method: clinical testing. Allele origin: germline.
Comment: The NM_002693.2:c.2481-26C>T (NP_002684.1:p.=) [GRCH38: NC_000015.10:g.89321879G>A] variant in POLG gene is interpretated to be a Likely Benign based on ACMG guidelines (PMID: 25741868). This variant meets the following evidence codes reported in the ACMG-guideline. BP4:Computational evidence/predictors indicate no impact on the POLG structure, function, or protein-protein interaction. BP6:Reputable source(s) without shared data suggest the variant is benign. Based on the evidence criteria codes applied, the variant is suggested to be Likely Benign.

NM_002693.3(POLG):c.2481-26C>T

Gene: POLG (DNA polymerase gamma, catalytic subunit; minus strand). Cytogenetic location: 15q26.1.
Variant type: single nucleotide variant.
Coding change: c.2481-26C>T on transcript NM_002693.3 (MANE Select); 26 bases into the intron before coding-DNA position 2481, C replaced by T.
Molecular consequence: intron variant.
Genome position (GRCh38, 1-based): chr15:89,321,879, G>A on the plus strand (C>T on the coding strand, the complement: POLG is on the minus strand). VCF-style: chr15-89321879-G-A. GRCh37 (hg19) VCF-style: chr15-89865110-G-A.
Other names: c.2481-26C>T (NM_001126131.2).
Identifiers: ClinVar variation 619366 (VCV000619366.1), dbSNP rs112776049, ClinGen allele CA7724451.
Genomic context (GRCh38, chr15:89,321,879, plus strand): 5'-CCCCATAGAGGCCTTCCTCATCATAGTCGGGGTGCCTGGTGGGGTGCAGGGGAAGGAAAT[G>A]GGTCTTAGCAGGGTGCTTTGGCCTTAGGACCTACCACCTCACCTCAGTTCTCCTATCCCT-3'